The following is an entry in ClinVar:

ClinVar aggregate classification (germline): Uncertain significance (1 of 4 stars; one submission).

Conditions:
Primary ciliary dyskinesia 7. Also called: CILIARY DYSKINESIA, PRIMARY, 7, WITH OR WITHOUT SITUS INVERSUS. Identifiers: Orphanet 244, MedGen C2678473, MONDO:0012748, OMIM 611884.

Submission:

Broad Center for Mendelian Genomics, Broad Institute of MIT and Harvard
Classification: Uncertain significance for Primary ciliary dyskinesia 7. Last evaluated: 2025-02-10. Review status: criteria provided, single submitter. Criteria: ACMG Guidelines, 2015. Collection method: curation. Allele origin: germline. Inheritance: Autosomal recessive inheritance.
Comment: The p.Leu318Pro variant in DNAH11 has been reported, in the homozygous state, in at least 1 individual with primary ciliary dyskinesia (PMID: 35239159), and has been identified in 0.003% (1/29328) of Ashkenazi Jewish chromosomes by the Genome Aggregation Database (gnomAD; dbSNP ID: rs1783444134). Although this variant has been seen in the general population in a heterozygous state, its frequency is low enough to be consistent with a recessive carrier frequency. Computational prediction tools and conservation analyses do not provide strong support for or against an impact to the protein. In summary, the clinical significance of the p.Leu318Pro variant is uncertain. ACMG/AMP Criteria applied: PM2_supporting, PM3_supporting (Richards 2015).

NM_001277115.2(DNAH11):c.953T>C (p.Leu318Pro)

Gene: DNAH11 (dynein axonemal heavy chain 11; plus strand). Cytogenetic location: 7p15.3.
Variant type: single nucleotide variant.
Coding change: c.953T>C on transcript NM_001277115.2 (MANE Select); coding-DNA position 953, T replaced by C.
Protein change: p.Leu318Pro; replaces leucine 318 with proline.
Molecular consequence: missense variant.
Genome position (GRCh38, 1-based): chr7:21,561,141, T>C. VCF-style: chr7-21561141-T-C. GRCh37 (hg19) VCF-style: chr7-21600759-T-C.
Other names: NM_001277115.2:c.953T>C; short protein forms L318P.
Identifiers: ClinVar variation 3776906 (VCV003776906.1).